The following is an entry in ClinVar:

ClinVar aggregate classification (germline): Benign/Likely benign (0 of 4 stars; one submission).

Submission:

GeneDx
Classification: Benign/Likely benign. Last evaluated: 2011-04-30. Review status: no assertion criteria provided. Collection method: clinical testing. Allele origin: not provided. Affected: yes. Observed: 3 variant alleles. Clinical features observed: Developmental delay AND/OR other significant developmental or morphological phenotypes.
Comment: Likely benign (1), Benign (2)

GRCh38/hg38 17q25.1(chr17:73851698-74651858)x3

Genes: BTBD17 (BTB domain containing 17; minus strand), CD300A (CD300a molecule; plus strand), CD300C (CD300c molecule; minus strand), CD300E (CD300e molecule; minus strand), CD300H (CD300H molecule (gene/pseudogene); minus strand) and 39 more. Cytogenetic location: 17q25.1.
Variant type: copy number gain.
Change: copy number 3 (three copies instead of two) of chr17:73,851,698-74,651,858 (800.2 kb, GRCh38 coordinates, 1-based), cytogenetic band 17q25.1.
Identifiers: ClinVar variation 152569 (VCV000152569.1).